The following is an entry in ClinVar:

ClinVar aggregate classification (germline): Uncertain significance. Review status: criteria provided, multiple submitters, no conflicts (2 of 4 stars). 2 submissions from 2 submitters: Uncertain significance (2). Last evaluated 2024-05-10.

Conditions:
Brugada syndrome. Also called: Sudden unexpected nocturnal death syndrome; Sudden unexplained nocturnal death syndrome; Sudden Unexplained Death Syndrome; Sudden Unexplained Nocturnal Death Syndrome (SUNDS). Identifiers: Orphanet 130, MedGen C1142166, MONDO:0015263.

Allele frequency attached by ClinVar (database versions not stated): gnomAD exomes below 0.00001; TOPMed below 0.00001.
gnomAD v4.1: 3 of 1,611,830 alleles (0.00019%); highest among the groups gnomAD compares: Non-Finnish European, 0.00025%; no homozygotes.

Submissions (2):

GeneDx
Classification: Uncertain significance. Last evaluated: 2024-05-10. Review status: criteria provided, single submitter. Criteria: GeneDx Variant Classification Process June 2021. Collection method: clinical testing. Allele origin: germline. Affected: yes.
Comment: Not observed at significant frequency in large population cohorts (gnomAD); In silico analysis supports that this missense variant has a deleterious effect on protein structure/function; Has not been previously published as pathogenic or benign to our knowledge

Labcorp Genetics (formerly Invitae), Labcorp
Classification: Uncertain significance for Brugada syndrome. Last evaluated: 2021-09-01. Review status: criteria provided, single submitter. Criteria: Invitae Variant Classification Sherloc (09022015). Collection method: clinical testing. Allele origin: germline.
Comment: This sequence change replaces methionine with arginine at codon 40 of the GPD1L protein (p.Met40Arg). The methionine residue is moderately conserved and there is a moderate physicochemical difference between methionine and arginine. This variant is not present in population databases (ExAC no frequency). This variant has not been reported in the literature in individuals affected with GPD1L-related conditions. Algorithms developed to predict the effect of missense changes on protein structure and function are either unavailable or do not agree on the potential impact of this missense change (SIFT: "Deleterious"; PolyPhen-2: "Probably Damaging"; Align-GVGD: "Class C0"). Algorithms developed to predict the effect of sequence changes on RNA splicing suggest that this variant may create or strengthen a splice site. In summary, the available evidence is currently insufficient to determine the role of this variant in disease. Therefore, it has been classified as a Variant of Uncertain Significance.

NM_015141.4(GPD1L):c.119T>G (p.Met40Arg)

Gene: GPD1L (glycerol-3-phosphate dehydrogenase 1 like; plus strand). Cytogenetic location: 3p22.3.
Variant type: single nucleotide variant.
Coding change: c.119T>G on transcript NM_015141.4 (MANE Select); coding-DNA position 119, T replaced by G.
Protein change: p.Met40Arg; replaces methionine 40 with arginine.
Molecular consequence: missense variant.
Genome position (GRCh38, 1-based): chr3:32,128,147, T>G. VCF-style: chr3-32128147-T-G. GRCh37 (hg19) VCF-style: chr3-32169639-T-G.
Other names: short protein forms M40R.
Identifiers: ClinVar variation 849673 (VCV000849673.5), dbSNP rs1700538814, ClinGen allele CA351972738.